The following is an entry in ClinVar:

NM_000587.4(C7):c.2480G>A (p.Gly827Glu)

Gene: C7 (complement C7; plus strand). Cytogenetic location: 5p13.1.
Variant type: single nucleotide variant.
Coding change: c.2480G>A on transcript NM_000587.4 (MANE Select); coding-DNA position 2480, G replaced by A.
Protein change: p.Gly827Glu; replaces glycine 827 with glutamic acid.
Molecular consequence: missense variant.
Genome position (GRCh38, 1-based): chr5:40,981,521, G>A. VCF-style: chr5-40981521-G-A. GRCh37 (hg19) VCF-style: chr5-40981623-G-A.
Other names: c.2480G>A (NM_000587.2); short protein forms G827E.
Identifiers: ClinVar variation 1413297 (VCV001413297.4), dbSNP rs377156524, ClinGen allele CA3250323.

ClinVar aggregate classification (germline): Uncertain significance. Review status: criteria provided, multiple submitters, no conflicts (2 of 4 stars). 2 submissions from 2 submitters: Uncertain significance (2). Last evaluated 2025-04-18.

Conditions:
Inborn genetic diseases. Identifiers: MedGen C0950123, MeSH D030342.

Allele frequency attached by ClinVar (database versions not stated): gnomAD exomes 0.00001 and 0.00006; gnomAD 0.00022 and 0.00019; TOPMed 0.00020; ExAC 0.00007; ESP Exome Variant Server 0.00008.
gnomAD v4.1: 49 of 1,613,620 alleles (0.003%); highest among the groups gnomAD compares: African/African-American, 0.064%; no homozygotes.

Submissions (2):

Ambry Genetics
Classification: Uncertain significance for Inborn genetic diseases. Last evaluated: 2025-04-18. Review status: criteria provided, single submitter. Criteria: Ambry Variant Classification Scheme 2023. Collection method: clinical testing. Allele origin: germline.

Labcorp Genetics (formerly Invitae), Labcorp
Classification: Uncertain significance. Last evaluated: 2022-08-31. Review status: criteria provided, single submitter. Criteria: Invitae Variant Classification Sherloc (09022015). Collection method: clinical testing. Allele origin: germline.
Comment: This sequence change replaces glycine, which is neutral and non-polar, with glutamic acid, which is acidic and polar, at codon 827 of the C7 protein (p.Gly827Glu). This variant is present in population databases (rs377156524, gnomAD 0.09%). This variant has not been reported in the literature in individuals affected with C7-related conditions. ClinVar contains an entry for this variant (Variation ID: 1413297). Algorithms developed to predict the effect of missense changes on protein structure and function output the following: SIFT: "Deleterious"; PolyPhen-2: "Possibly Damaging"; Align-GVGD: "Class C0". The glutamic acid amino acid residue is found in multiple mammalian species, which suggests that this missense change does not adversely affect protein function. In summary, the available evidence is currently insufficient to determine the role of this variant in disease. Therefore, it has been classified as a Variant of Uncertain Significance.